The following is an entry in ClinVar:

ClinVar aggregate classification (germline): Uncertain significance. Review status: criteria provided, multiple submitters, no conflicts (2 of 4 stars). 2 submissions from 2 submitters: Uncertain significance (2). Last evaluated 2022-06-20.

Conditions:
Inborn genetic diseases. Identifiers: MedGen C0950123, MeSH D030342.

Allele frequency attached by ClinVar (database versions not stated): gnomAD 0.00001; gnomAD exomes 0.00001; TOPMed 0.00002.
gnomAD v4.1: 10 of 1,611,878 alleles (0.00062%); highest among the groups gnomAD compares: African/African-American, 0.0013%; no homozygotes.

Submissions (2):

Labcorp Genetics (formerly Invitae), Labcorp
Classification: Uncertain significance. Last evaluated: 2022-06-20. Review status: criteria provided, single submitter. Criteria: Invitae Variant Classification Sherloc (09022015). Collection method: clinical testing. Allele origin: germline.
Comment: This sequence change falls in intron 12 of the SPTBN2 gene. It does not directly change the encoded amino acid sequence of the SPTBN2 protein. This variant is not present in population databases (gnomAD no frequency). This variant has not been reported in the literature in individuals affected with SPTBN2-related conditions. Algorithms developed to predict the effect of sequence changes on RNA splicing suggest that this variant may create or strengthen a splice site. In summary, the available evidence is currently insufficient to determine the role of this variant in disease. Therefore, it has been classified as a Variant of Uncertain Significance.

Ambry Genetics
Classification: Uncertain significance for Inborn genetic diseases. Last evaluated: 2022-02-01. Review status: criteria provided, single submitter. Criteria: Ambry Variant Classification Scheme 2023. Collection method: clinical testing. Allele origin: germline.
Comment: The c.1654-5G>A intronic alteration consists of a G to A substitution 5 nucleotides before coding exon 12 in the SPTBN2 gene. Based on insufficient or conflicting evidence, the clinical significance of this alteration remains unclear.

NM_006946.4(SPTBN2):c.1654-5G>A

Gene: SPTBN2 (spectrin beta, non-erythrocytic 2; minus strand). Cytogenetic location: 11q13.2.
Variant type: single nucleotide variant.
Coding change: c.1654-5G>A on transcript NM_006946.4 (MANE Select); 5 bases into the intron before coding-DNA position 1654, G replaced by A.
Molecular consequence: intron variant.
Genome position (GRCh38, 1-based): chr11:66,705,842, C>T on the plus strand (G>A on the coding strand, the complement: SPTBN2 is on the minus strand). VCF-style: chr11-66705842-C-T. GRCh37 (hg19) VCF-style: chr11-66473313-C-T.
Other names: c.1654-5G>A (NM_006946.2).
Identifiers: ClinVar variation 1478700 (VCV001478700.6), dbSNP rs1483027342, ClinGen allele CA679415570.